The following is an entry in ClinVar:

ClinVar aggregate classification (germline): Uncertain significance. Review status: criteria provided, multiple submitters, no conflicts (2 of 4 stars). 2 submissions from 2 submitters: Uncertain significance (2). Last evaluated 2023-08-10.

Conditions:
SPTA1-related disorder. Also called: SPTA1-related condition; SPTA1-related disorders.

Allele frequency attached by ClinVar (database versions not stated): TOPMed below 0.00001; gnomAD 0.00001.
gnomAD v4.1: 1 of 1,613,002 alleles (0.000062%); highest among the groups gnomAD compares: Non-Finnish European, 0.000085%; no homozygotes.

Submissions (2):

ARUP Laboratories, Molecular Genetics and Genomics, ARUP Laboratories
Classification: Uncertain significance. Last evaluated: 2023-08-10. Review status: criteria provided, single submitter. Criteria: ARUP Molecular Germline Variant Investigation Process 2024. Collection method: clinical testing. Allele origin: germline.

PreventionGenetics, part of Exact Sciences
Classification: Uncertain significance for SPTA1-related condition. Last evaluated: 2022-11-07. Review status: criteria provided, single submitter. Criteria: ACMG Guidelines, 2015. Collection method: clinical testing. Allele origin: germline.
Comment: The SPTA1 c.3896G>A variant is predicted to result in the amino acid substitution p.Arg1299Lys. To our knowledge, this variant has not been reported in the literature or in a large population database, indicating this variant is rare. At this time, the clinical significance of this variant is uncertain due to the absence of conclusive functional and genetic evidence.

NM_003126.4(SPTA1):c.3896G>A (p.Arg1299Lys)

Gene: SPTA1 (spectrin alpha, erythrocytic 1; minus strand). Cytogenetic location: 1q23.1.
Variant type: single nucleotide variant.
Coding change: c.3896G>A on transcript NM_003126.4 (MANE Select); coding-DNA position 3896, G replaced by A.
Protein change: p.Arg1299Lys; replaces arginine 1299 with lysine.
Molecular consequence: missense variant.
Genome position (GRCh38, 1-based): chr1:158,647,539, C>T on the plus strand (G>A on the coding strand, the complement: SPTA1 is on the minus strand). VCF-style: chr1-158647539-C-T. GRCh37 (hg19) VCF-style: chr1-158617329-C-T.
Other names: short protein forms R1299K.
Identifiers: ClinVar variation 2635480 (VCV002635480.2), dbSNP rs1168326711, ClinGen allele CA343033710.